The following is an entry in ClinVar:

NM_007186.6(CEP250):c.823G>C (p.Asp275His)

Gene: CEP250 (centrosomal protein 250; plus strand). Cytogenetic location: 20q11.22.
Variant type: single nucleotide variant.
Coding change: c.823G>C on transcript NM_007186.6 (MANE Select); coding-DNA position 823, G replaced by C.
Protein change: p.Asp275His; replaces aspartic acid 275 with histidine.
Molecular consequence: missense variant. On other transcripts: 5 prime UTR variant (1).
Genome position (GRCh38, 1-based): chr20:35,467,527, G>C. VCF-style: chr20-35467527-G-C. GRCh37 (hg19) VCF-style: chr20-34055352-G-C.
Other names: c.-1077G>C (NM_001318219.1); short protein forms D275H.
Identifiers: ClinVar variation 3693608 (VCV003693608.2).
Genomic context (GRCh38, chr20:35,467,527, plus strand): 5'-GAGCTGGAGAAGGAAGCCCATGAAAGGAGCCAGGAGTTAATACAGCTGAAGAGTCAAGGG[G>C]ATCTGGAGAAGGCTGAACTTCAGGACCGGTGAGATGGCCTGGGGTCCCAAGAAGGGTTCG-3'
Protein context (NP_009117.2, residues 265-285): QELIQLKSQG[Asp275His]LEKAELQDRV

ClinVar aggregate classification (germline): Uncertain significance (1 of 4 stars; one submission).

Submission:

Labcorp Genetics (formerly Invitae), Labcorp
Classification: Uncertain significance. Last evaluated: 2024-07-04. Review status: criteria provided, single submitter. Criteria: Invitae Variant Classification Sherloc (09022015). Collection method: clinical testing. Allele origin: germline.
Comment: This sequence change replaces aspartic acid, which is acidic and polar, with histidine, which is basic and polar, at codon 275 of the CEP250 protein (p.Asp275His). This variant is not present in population databases (gnomAD no frequency). This variant has not been reported in the literature in individuals affected with CEP250-related conditions. Algorithms developed to predict the effect of missense changes on protein structure and function output the following: SIFT: "Not Available"; PolyPhen-2: "Benign"; Align-GVGD: "Not Available". The histidine amino acid residue is found in multiple mammalian species, which suggests that this missense change does not adversely affect protein function. In summary, the available evidence is currently insufficient to determine the role of this variant in disease. Therefore, it has been classified as a Variant of Uncertain Significance.